The following is an entry in ClinVar:

NM_001008212.2(OPTN):c.398G>C (p.Arg133Thr)

Gene: OPTN (optineurin; plus strand). Cytogenetic location: 10p13.
Variant type: single nucleotide variant.
Coding change: c.398G>C on transcript NM_001008212.2 (MANE Select); coding-DNA position 398, G replaced by C.
Protein change: p.Arg133Thr; replaces arginine 133 with threonine.
Molecular consequence: missense variant.
Genome position (GRCh38, 1-based): chr10:13,112,481, G>C. VCF-style: chr10-13112481-G-C. GRCh37 (hg19) VCF-style: chr10-13154481-G-C.
Other names: c.398G>C, p.Arg133Thr (NM_001008211.1, NM_001008213.1, NM_021980.4); short protein forms R133T.
Identifiers: ClinVar variation 1488742 (VCV001488742.8), dbSNP rs1269604352, ClinGen allele CA376027825.
Genomic context (GRCh38, chr10:13,112,481, plus strand): 5'-TGTTCATTCACTTTACTCCTTGTCATCTCCAGGACCCCACTGATGACTCCAGGCTTCCCA[G>C]GGCCGAAGCGGAGCAGGAAAAGGACCAGCTCAGGACCCAGGTGGTGAGGCTACAAGCAGA-3'
Protein context (NP_001008213.1, residues 123-143): EDPTDDSRLP[Arg133Thr]AEAEQEKDQL

ClinVar aggregate classification (germline): Uncertain significance (1 of 4 stars; one submission).

Conditions:
Primary open angle glaucoma (POAG). Also called: OPTN-related open angle glaucoma. Identifiers: MedGen C0339573, MONDO:0100553, OMIM 137760.
Glaucoma 1, open angle, E. Identifiers: MedGen C1842026, MONDO:0007665.
Amyotrophic lateral sclerosis type 12 (ALS12). Also called: AMYOTROPHIC LATERAL SCLEROSIS 12 WITH OR WITHOUT FRONTOTEMPORAL DEMENTIA. Identifiers: Orphanet 803, MedGen C3150692, MONDO:0013264, OMIM 613435.

gnomAD v4.1: 1 of 1,614,006 alleles (0.000062%); highest among the groups gnomAD compares: Non-Finnish European, 0.000085%; no homozygotes.

Submission:

Labcorp Genetics (formerly Invitae), Labcorp
Classification: Uncertain significance for Primary open angle glaucoma; Glaucoma 1, open angle, E; Amyotrophic lateral sclerosis type 12. Last evaluated: 2022-03-02. Review status: criteria provided, single submitter. Criteria: Invitae Variant Classification Sherloc (09022015). Collection method: clinical testing. Allele origin: germline.
Comment: In summary, the available evidence is currently insufficient to determine the role of this variant in disease. Therefore, it has been classified as a Variant of Uncertain Significance. Algorithms developed to predict the effect of missense changes on protein structure and function output the following: SIFT: "Tolerated"; PolyPhen-2: "Benign"; Align-GVGD: "Class C0". The threonine amino acid residue is found in multiple mammalian species, which suggests that this missense change does not adversely affect protein function. This variant has not been reported in the literature in individuals affected with OPTN-related conditions. This variant is not present in population databases (gnomAD no frequency). This sequence change replaces arginine, which is basic and polar, with threonine, which is neutral and polar, at codon 133 of the OPTN protein (p.Arg133Thr).